The following is an entry in ClinVar:

ClinVar aggregate classification (germline): Uncertain significance (1 of 4 stars; one submission).

Conditions:
Alstrom syndrome (ALMS). Identifiers: Orphanet 64, MedGen C0268425, MONDO:0008763, OMIM 203800.

Allele frequency attached by ClinVar (database versions not stated): TOPMed 0.00001; 1000 Genomes Project 30x 0.00016; 1000 Genomes Project 0.00020.
gnomAD v4.1: 9 of 1,614,110 alleles (0.00056%); highest among the groups gnomAD compares: South Asian, 0.0044%; no homozygotes.

Submission:

Labcorp Genetics (formerly Invitae), Labcorp
Classification: Uncertain significance for Alstrom syndrome. Last evaluated: 2025-09-20. Review status: criteria provided, single submitter. Criteria: Invitae Variant Classification Sherloc (09022015). Collection method: clinical testing. Allele origin: germline.
Comment: This sequence change replaces serine, which is neutral and polar, with leucine, which is neutral and non-polar, at codon 2860 of the ALMS1 protein (p.Ser2860Leu). This variant is present in population databases (rs538382027, gnomAD 0.007%). This variant has not been reported in the literature in individuals affected with ALMS1-related conditions. ClinVar contains an entry for this variant (Variation ID: 2050961). Experimental studies and prediction algorithms are not available or were not evaluated, and the functional significance of this variant is currently unknown. In summary, the available evidence is currently insufficient to determine the role of this variant in disease. Therefore, it has been classified as a Variant of Uncertain Significance.

NM_001378454.1(ALMS1):c.8576C>T (p.Ser2859Leu)

Gene: ALMS1 (ALMS1 centrosome and basal body associated protein; plus strand). Cytogenetic location: 2p13.1.
Variant type: single nucleotide variant.
Coding change: c.8576C>T on transcript NM_001378454.1 (MANE Select); coding-DNA position 8576, C replaced by T.
Protein change: p.Ser2859Leu; replaces serine 2859 with leucine.
Molecular consequence: missense variant.
Genome position (GRCh38, 1-based): chr2:73,490,535, C>T. VCF-style: chr2-73490535-C-T. GRCh37 (hg19) VCF-style: chr2-73717662-C-T.
Other names: c.8579C>T, p.Ser2860Leu (NM_015120.4); short protein forms S2860L, S2859L.
Identifiers: ClinVar variation 2050961 (VCV002050961.2), dbSNP rs538382027, ClinGen allele CA1714493.